The following is an entry in ClinVar:

ClinVar aggregate classification (germline): Pathogenic (1 of 4 stars; one submission).

Conditions:
Familial cancer of breast. Also called: BREAST CANCER, FAMILIAL; Hereditary breast cancer; hereditary breast carcinoma. Identifiers: Orphanet 227535, MedGen C0346153, MONDO:0016419, OMIM 114480. Disease mechanism: loss of function.

Submission:

Labcorp Genetics (formerly Invitae), Labcorp
Classification: Pathogenic for Familial cancer of breast. Last evaluated: 2023-03-02. Review status: criteria provided, single submitter. Criteria: Invitae Variant Classification Sherloc (09022015). Collection method: clinical testing. Allele origin: unknown.
Comment: This variant has not been reported in the literature in individuals affected with BARD1-related conditions. This variant disrupts a region of the BARD1 protein in which other variant(s) (Deletion of Exon 2, p.Cys53Trp) have been determined to be pathogenic (PMID: 26350354, 29367421; Invitae). This suggests that this is a clinically significant region of the protein, and that variants that disrupt it are likely to be disease-causing. For these reasons, this variant has been classified as Pathogenic. This variant results in the deletion of exons 2-5 and part of exon 6 (c.158+421_1542delinsC) of the BARD1 gene. It is expected to disrupt RNA splicing. Variants that disrupt the donor or acceptor splice site typically lead to a loss of protein function (PMID: 16199547), and loss-of-function variants in BARD1 are known to be pathogenic (PMID: 20077502, 21344236).

Literature cited by the submitters: PubMed 26350354; PubMed 29367421; PubMed 16199547; PubMed 20077502; PubMed 21344236.

NC_000002.11:g.(?_215632232)_(215673715_?)del

Gene: BARD1 (BRCA1 associated RING domain 1; minus strand). Cytogenetic location: 2q35.
Variant type: Deletion.
Identifiers: ClinVar variation 3247185 (VCV003247185.1).